The following is an entry in ClinVar:

NM_007254.4(PNKP):c.1189-2A>C

Gene: PNKP (polynucleotide kinase 3'-phosphatase; minus strand). Cytogenetic location: 19q13.33.
Variant type: single nucleotide variant.
Coding change: c.1189-2A>C on transcript NM_007254.4 (MANE Select); the canonical splice acceptor site of the intron before coding-DNA position 1189, A replaced by C.
Molecular consequence: splice acceptor variant.
Genome position (GRCh38, 1-based): chr19:49,861,883, T>G on the plus strand (A>C on the coding strand, the complement: PNKP is on the minus strand). VCF-style: chr19-49861883-T-G. GRCh37 (hg19) VCF-style: chr19-50365140-T-G.
Other names: NC_000019.9:g.50365140T>G.
Identifiers: ClinVar variation 206406 (VCV000206406.3), dbSNP rs767645983, ClinGen allele CA316490.

ClinVar aggregate classification (germline): Pathogenic (1 of 4 stars; one submission).

Allele frequency attached by ClinVar (database versions not stated): gnomAD exomes below 0.00001; gnomAD 0.00001; ExAC 0.00002.
gnomAD v4.1: 1 of 1,585,766 alleles (0.000063%); highest among the groups gnomAD compares: Non-Finnish European, 0.000086%; no homozygotes.

Submissions (2):

GeneDx
Classification: Pathogenic. Last evaluated: 2013-10-25. Review status: criteria provided, single submitter. Criteria: GeneDx Variant Classification (06012015). Collection method: clinical testing. Allele origin: germline. Affected: yes.
Comment: c.1189-2 A>C: IVS13-2 A>C in intron 13 of the PNKP gene (NM_007254.2) The c.1189-2 A>C splice site mutation in the PNKP gene destroys the canonical splice acceptor site in intron 13. It is predicted to cause abnormal gene splicing, either leading to an abnormal message that is subject to nonsense-mediated mRNA decay, or to an abnormal protein product if the message is used for protein translation. Although this mutation has not been previously reported to our knowledge, it is considered a disease-causing mutation. The variant is found in EPILEPSY panel(s).

Dr. Peter K. Rogan Lab, Western University
No classification provided (evidence only). Condition: Nonpapillary renal cell carcinoma. Review status: no classification provided. Collection method: in vitro. Allele origin: not applicable. Functional consequence: retained intron. Not counted in ClinVar's aggregate classification.